The following is an entry in ClinVar:

NM_003791.4(MBTPS1):c.479G>A (p.Arg160His)

Gene: MBTPS1 (membrane bound transcription factor peptidase, site 1; minus strand). Cytogenetic location: 16q23.3.
Variant type: single nucleotide variant.
Coding change: c.479G>A on transcript NM_003791.4 (MANE Select); coding-DNA position 479, G replaced by A.
Protein change: p.Arg160His; replaces arginine 160 with histidine.
Molecular consequence: missense variant.
Genome position (GRCh38, 1-based): chr16:84,095,748, C>T on the plus strand (G>A on the coding strand, the complement: MBTPS1 is on the minus strand). VCF-style: chr16-84095748-C-T. GRCh37 (hg19) VCF-style: chr16-84129353-C-T.
Other names: short protein forms R160H.
Identifiers: ClinVar variation 3124146 (VCV003124146.2), dbSNP rs369349224, ClinGen allele CA8201742.
Genomic context (GRCh38, chr16:84,095,748, plus strand): 5'-TGCCTTCCCGTAGCATGCCAGAAGCCAGAGCCCAGGGAGAGGCTGGCTCTTCGCAGGGGA[C>T]GTGATGATTGCCACTTCTGGCTCCACCGGGTTTCATTGCAGGGTACTGTGGGGTCAGCTA-3'
Protein context (NP_003782.1, residues 150-170): TRWSQKWQSS[Arg160His]PLRRASLSLG

ClinVar aggregate classification (germline): Uncertain significance. Review status: criteria provided, multiple submitters, no conflicts (2 of 4 stars). 2 submissions from 2 submitters: Uncertain significance (2). Last evaluated 2025-06-22.

Conditions:
Inborn genetic diseases. Identifiers: MedGen C0950123, MeSH D030342.

Allele frequency attached by ClinVar (database versions not stated): gnomAD exomes below 0.00001; gnomAD 0.00001; ExAC 0.00002; TOPMed 0.00002.
gnomAD v4.1: 9 of 1,614,002 alleles (0.00056%); highest among the groups gnomAD compares: Admixed American, 0.005%; no homozygotes.

Submissions (2):

Labcorp Genetics (formerly Invitae), Labcorp
Classification: Uncertain significance. Last evaluated: 2025-06-22. Review status: criteria provided, single submitter. Criteria: Invitae Variant Classification Sherloc (09022015). Collection method: clinical testing. Allele origin: germline.
Comment: This sequence change replaces arginine, which is basic and polar, with histidine, which is basic and polar, at codon 160 of the MBTPS1 protein (p.Arg160His). This variant is present in population databases (rs369349224, gnomAD 0.006%). This variant has not been reported in the literature in individuals affected with MBTPS1-related conditions. ClinVar contains an entry for this variant (Variation ID: 3124146). An algorithm developed to predict the effect of missense changes on protein structure and function (PolyPhen-2) suggests that this variant is likely to be disruptive. In summary, the available evidence is currently insufficient to determine the role of this variant in disease. Therefore, it has been classified as a Variant of Uncertain Significance.

Ambry Genetics
Classification: Uncertain significance for Inborn genetic diseases. Last evaluated: 2024-03-01. Review status: criteria provided, single submitter. Criteria: Ambry Variant Classification Scheme 2023. Collection method: clinical testing. Allele origin: germline.